The following is an entry in ClinVar:

NM_001353214.3(DYM):c.99G>A (p.Trp33Ter)

Gene: DYM (dymeclin; minus strand). Cytogenetic location: 18q21.1.
Variant type: single nucleotide variant.
Coding change: c.99G>A on transcript NM_001353214.3 (MANE Select); coding-DNA position 99, G replaced by A.
Protein change: p.Trp33Ter; replaces tryptophan 33 with a stop codon.
Molecular consequence: nonsense.
Genome position (GRCh38, 1-based): chr18:49,430,296, C>T on the plus strand (G>A on the coding strand, the complement: DYM is on the minus strand). VCF-style: chr18-49430296-C-T. GRCh37 (hg19) VCF-style: chr18-46956666-C-T.
Other names: c.99G>A, p.Trp33Ter (NM_001353210.3, NM_001353215.3, NM_001353213.3 and 21 more transcripts); short protein forms W33*.
Identifiers: ClinVar variation 2584904 (VCV002584904.1), dbSNP rs2524201617, ClinGen allele CA402412510.

ClinVar aggregate classification (germline): Likely pathogenic (1 of 4 stars; one submission).

Conditions:
Dyggve-Melchior-Clausen syndrome (DMC). Also called: Dyggve-Melchior-Clausen disease; DMC syndrome. Identifiers: Orphanet 239, MedGen C0265286, MONDO:0009130, OMIM 223800.

Submission:

Neuberg Centre For Genomic Medicine, NCGM
Classification: Likely pathogenic for Dyggve-Melchior-Clausen syndrome. Review status: criteria provided, single submitter. Criteria: ACMG Guidelines, 2015. Collection method: clinical testing. Allele origin: germline. Inheritance: Autosomal recessive inheritance. Affected: yes.
Comment: The c.99G>A (p.Trp33Ter) stop gained variant in DYM gene has not been reported previously as a pathogenic variant nor as a benign variant, to our knowledge. The c.99G>A variant is novel (not in any individuals) in gnomAD Exomes and 1000 Genomes. This variant is predicted to cause loss of normal protein function through protein truncation. Loss of function variants have been previously reported to be disease causing. The nucleotide change c.99G>A in DYM is predicted as conserved by GERP++ and PhyloP across 100 vertebrates. For these reasons, this variant has been classified as Likely Pathogenic.